The following is an entry in ClinVar:

ClinVar aggregate classification (germline): Pathogenic (1 of 4 stars; one submission).

Conditions:
Inborn genetic diseases. Identifiers: MedGen C0950123, MeSH D030342.

Submission:

Ambry Genetics
Classification: Pathogenic for Inborn genetic diseases. Last evaluated: 2026-02-19. Review status: criteria provided, single submitter. Criteria: Ambry Variant Classification Scheme 2023. Collection method: clinical testing. Allele origin: germline.
Comment: The c.227C>A (p.S76*) alteration, located in exon 1 (coding exon 1) of the SIX1 gene, consists of a C to A substitution at nucleotide position 227. This changes the amino acid from a serine (S) to a stop codon at amino acid position 76. This alteration is expected to result in loss of function by premature protein truncation or nonsense-mediated mRNA decay. This variant was not reported in population-based cohorts in the Genome Aggregation Database (gnomAD). Based on the available evidence, this alteration is classified as pathogenic.

NM_005982.4(SIX1):c.227C>A (p.Ser76Ter)

Gene: SIX1 (SIX homeobox 1; minus strand). Cytogenetic location: 14q23.1.
Variant type: single nucleotide variant.
Coding change: c.227C>A on transcript NM_005982.4 (MANE Select); coding-DNA position 227, C replaced by A.
Protein change: p.Ser76Ter; replaces serine 76 with a stop codon.
Molecular consequence: nonsense.
Genome position (GRCh38, 1-based): chr14:60,648,963, G>T on the plus strand (C>A on the coding strand, the complement: SIX1 is on the minus strand). VCF-style: chr14-60648963-G-T. GRCh37 (hg19) VCF-style: chr14-61115681-G-T.
Other names: c.227C>A, p.Ser76Ter (NM_001425142.1); short protein forms S76*.
Identifiers: ClinVar variation 4830138 (VCV004830138.1).
Genomic context (GRCh38, chr14:60,648,963, plus strand): 5'-TCGGCCTCCACGTAATGCGCCTTCAGCCACAGTTGCTGCAGTTTGGGGTGGTTGTGAGGC[G>T]AGAACTGGTGGCTCTCCAGGATCTTGTAGAGCTCACGGAAGTTGCCGCGGTGGAAGGCGA-3'